The following is an entry in ClinVar:

ClinVar aggregate classification (germline): Uncertain significance (0 of 4 stars; one submission).

Conditions:
Carcinoma of colon (CRC). Also called: Colonic carcinoma; Colon carcinoma. Identifiers: MedGen C0699790, MONDO:0002032.

Submission:

Immunobiology Lab; University of Kashmir
Classification: Uncertain significance for Carcinoma of colon. Last evaluated: 2015-01-24. Review status: no assertion criteria provided. Collection method: case-control. Allele origin: somatic. Affected: yes. Study: Mutational Hotspot profiling of Tyrosine Kinase domain of VEGF receptors in Human colorectal tumors.
Comment: The variation(s) were confirmed by double pass sequencing of PCR products amplified from genomic DNA of colonic lesions fron colorectal patients

NM_002253.4(KDR):c.2380G>A (p.Gly794Arg)

Gene: KDR (kinase insert domain receptor; minus strand). Cytogenetic location: 4q12.
Variant type: single nucleotide variant.
Coding change: c.2380G>A on transcript NM_002253.4 (MANE Select); coding-DNA position 2380, G replaced by A.
Protein change: p.Gly794Arg; replaces glycine 794 with arginine.
Molecular consequence: missense variant.
Genome position (GRCh38, 1-based): chr4:55,098,266, C>T on the plus strand (G>A on the coding strand, the complement: KDR is on the minus strand). VCF-style: chr4-55098266-C-T. GRCh37 (hg19) VCF-style: chr4-55964433-C-T.
Other names: KP774601; short protein forms G794R.
Identifiers: ClinVar variation 204330 (VCV000204330.3), dbSNP rs795902896, ClinGen allele CA251257.